The following is an entry in ClinVar:

NM_001379200.1(TBX1):c.992G>T (p.Arg331Leu)

Gene: TBX1 (T-box transcription factor 1; plus strand). Cytogenetic location: 22q11.21.
Variant type: single nucleotide variant.
Coding change: c.992G>T on transcript NM_001379200.1 (MANE Select); coding-DNA position 992, G replaced by T.
Protein change: p.Arg331Leu; replaces arginine 331 with leucine.
Molecular consequence: missense variant.
Genome position (GRCh38, 1-based): chr22:19,765,958, G>T. VCF-style: chr22-19765958-G-T. GRCh37 (hg19) VCF-style: chr22-19753481-G-T.
Other names: c.965G>T, p.Arg322Leu (NM_005992.1, NM_080646.2, NM_080647.1); short protein forms R322L, R331L.
Identifiers: ClinVar variation 4745434 (VCV004745434.1).
Genomic context (GRCh38, chr22:19,765,958, plus strand): 5'-GCAGGCCCCGGAACCACCGGCCCGGCGCACTGCCGCTCATGAGCGCCTTCGCGCGCTCGC[G>T]GAACCCCGTGGCTTCCCCGACGCAGCCCAGCGGCACGGAGAAAGGTAGGGCCGGGGTCGT-3'
Protein context (NP_001366129.1, residues 321-341): LPLMSAFARS[Arg331Leu]NPVASPTQPS

ClinVar aggregate classification (germline): Uncertain significance (1 of 4 stars; one submission).

Conditions:
DiGeorge syndrome. Also called: THIRD AND FOURTH PHARYNGEAL POUCH SYNDROME; Catch22. Identifiers: Orphanet 567, MedGen C0012236, MONDO:0008564, OMIM 188400.

Submission:

Labcorp Genetics (formerly Invitae), Labcorp
Classification: Uncertain significance for DiGeorge syndrome. Last evaluated: 2025-09-21. Review status: criteria provided, single submitter. Criteria: Invitae Variant Classification Sherloc (09022015). Collection method: clinical testing. Allele origin: germline.
Comment: This sequence change replaces arginine, which is basic and polar, with leucine, which is neutral and non-polar, at codon 322 of the TBX1 protein (p.Arg322Leu). The frequency data for this variant in the population databases is considered unreliable, as metrics indicate poor data quality at this position in the gnomAD database. This variant has not been reported in the literature in individuals affected with TBX1-related conditions. Invitae Evidence Modeling of protein sequence and biophysical properties (such as structural, functional, and spatial information, amino acid conservation, physicochemical variation, residue mobility, and thermodynamic stability) indicates that this missense variant is not expected to disrupt TBX1 protein function with a negative predictive value of 80%. In summary, the available evidence is currently insufficient to determine the role of this variant in disease. Therefore, it has been classified as a Variant of Uncertain Significance.